The following is an entry in ClinVar:

ClinVar aggregate classification (germline): Uncertain significance. Review status: criteria provided, multiple submitters, no conflicts (2 of 4 stars). 3 submissions from 3 submitters: Uncertain significance (3). Last evaluated 2026-01-04.

Conditions:
Familial cancer of breast. Also called: Hereditary breast cancer; hereditary breast carcinoma; BREAST CANCER, FAMILIAL. Identifiers: Orphanet 227535, MedGen C0346153, MONDO:0016419, OMIM 114480. Disease mechanism: loss of function.
Hereditary cancer-predisposing syndrome. Also called: Tumor predisposition; Hereditary Cancer Syndrome; Hereditary neoplastic syndrome; Neoplastic Syndromes, Hereditary. Identifiers: Orphanet 140162, MedGen C0027672, MeSH D009386, MONDO:0015356.

Submissions (3):

Ambry Genetics
Classification: Uncertain significance for Hereditary cancer-predisposing syndrome. Last evaluated: 2026-01-04. Review status: criteria provided, single submitter. Criteria: Ambry Variant Classification Scheme 2023. Collection method: clinical testing. Allele origin: germline.
Comment: The p.F1161S variant (also known as c.3482T>C), located in coding exon 13 of the PALB2 gene, results from a T to C substitution at nucleotide position 3482. The phenylalanine at codon 1161 is replaced by serine, an amino acid with highly dissimilar properties. This amino acid position is conserved. In addition, the in silico prediction for this alteration is inconclusive. Based on the available evidence, the clinical significance of this variant remains unclear.

GeneDx
Classification: Uncertain significance. Last evaluated: 2025-06-04. Review status: criteria provided, single submitter. Criteria: GeneDx Variant Classification Process June 2021. Collection method: clinical testing. Allele origin: germline. Affected: yes.
Comment: Not observed at significant frequency in large population cohorts (gnomAD); In silico analysis supports that this missense variant has a deleterious effect on protein structure/function; Has not been previously published as pathogenic or benign to our knowledge; This variant is associated with the following publications: (PMID: 24485656, 20871615, 19609323)

Baylor Genetics
Classification: Uncertain significance for Familial cancer of breast. Last evaluated: 2023-11-29. Review status: criteria provided, single submitter. Criteria: ACMG Guidelines, 2015. Collection method: clinical testing. Allele origin: unknown.

NM_024675.4(PALB2):c.3482T>C (p.Phe1161Ser)

Gene: PALB2 (partner and localizer of BRCA2; minus strand). Cytogenetic location: 16p12.2.
Variant type: single nucleotide variant.
Coding change: c.3482T>C on transcript NM_024675.4 (MANE Select); coding-DNA position 3482, T replaced by C.
Protein change: p.Phe1161Ser; replaces phenylalanine 1161 with serine.
Molecular consequence: missense variant. On other transcripts: 3 prime UTR variant (5).
Genome position (GRCh38, 1-based): chr16:23,603,538, A>G on the plus strand (T>C on the coding strand, the complement: PALB2 is on the minus strand). VCF-style: chr16-23603538-A-G. GRCh37 (hg19) VCF-style: chr16-23614859-A-G.
Other names: c.3422T>C, p.Phe1141Ser (NM_001407296.1); c.3410T>C, p.Phe1137Ser (NM_001407297.1); c.3320T>C, p.Phe1107Ser (NM_001407298.1); c.3245T>C, p.Phe1082Ser (NM_001407299.1); c.3203T>C, p.Phe1068Ser (NM_001407300.1); c.*117T>C (NM_001407301.1, NM_001407302.1, NM_001407310.1 and 2 more transcripts); c.2597T>C, p.Phe866Ser (NM_001407304.1, NM_001407305.1, NM_001407306.1); c.2435T>C, p.Phe812Ser (NM_001407307.1); and 3 more; short protein forms F1068S, F1082S, F1107S, F1137S, F1141S, F1161S, F339S, F565S.
Identifiers: ClinVar variation 3240017 (VCV003240017.3), dbSNP rs2142252792.